The following is an entry in ClinVar:

ClinVar aggregate classification (germline): Uncertain significance (1 of 4 stars; one submission).

Conditions:
Intellectual developmental disorder, X-linked 107. Also called: MENTAL RETARDATION, X-LINKED 107; Intellectual disability, X-linked 107. Identifiers: MedGen C4692652, MONDO:0049222, OMIM 301013.

Submission:

Victorian Clinical Genetics Services, Murdoch Childrens Research Institute
Classification: Uncertain significance for Intellectual developmental disorder, X-linked 107. Last evaluated: 2023-12-21. Review status: criteria provided, single submitter. Criteria: ACMG Guidelines, 2015. Collection method: clinical testing. Allele origin: germline. Inheritance: X-linked recessive inheritance. Affected: yes.
Comment: Based on the classification scheme VCGS_Germline_v1.3.4, this variant is classified as VUS-3A. Following criteria are met: 0102 - Loss of function is a known mechanism of disease in this gene and is associated with X-linked intellectual developmental disorder 107 (MIM#301013). (I) 0109 - This gene is associated with X-linked recessive disease. Carrier females may be asymptomatic due to skewed X-inactivation or mildly affected (PMID: 29374277, 31822863). (I) 0200 - Variant is predicted to result in a missense amino acid change from cysteine to tyrosine. (I) 0253 - This variant is hemizygous. (I) 0301 - Variant is absent from gnomAD (both v2 and v3). (SP) 0501 - Missense variant consistently predicted to be damaging by multiple in silico tools or highly conserved with a major amino acid change. (SP) 0604 - Variant is not located in an established domain, motif, hotspot or informative constraint region. (I) 0705 - No comparable missense variants have previous evidence for pathogenicity. (I) 0807 - This variant has no previous evidence of pathogenicity. (I) 0905 - No published segregation evidence has been identified for this variant. (I) 1007 - No published functional evidence has been identified for this variant. (I) Legend: (SP) - Supporting pathogenic, (I) - Information, (SB) - Supporting benign

Literature cited by the submitters: PubMed 29374277; PubMed 31822863.

NM_022101.4(STEEP1):c.287G>A (p.Cys96Tyr)

Gene: STEEP1 (STING1 ER exit protein 1; minus strand). Cytogenetic location: Xq24.
Variant type: single nucleotide variant.
Coding change: c.287G>A on transcript NM_022101.4 (MANE Select); coding-DNA position 287, G replaced by A.
Protein change: p.Cys96Tyr; replaces cysteine 96 with tyrosine.
Molecular consequence: missense variant.
Genome position (GRCh38, 1-based): chrX:119,544,489, C>T on the plus strand (G>A on the coding strand, the complement: STEEP1 is on the minus strand). VCF-style: chrX-119544489-C-T. GRCh37 (hg19) VCF-style: chrX-118678452-C-T.
Other names: c.140G>A, p.Cys47Tyr (NM_001170569.1); c.245G>A, p.Cys82Tyr (NM_001170570.2); short protein forms C47Y, C82Y, C96Y.
Identifiers: ClinVar variation 3376835 (VCV003376835.1).